The following is an entry in ClinVar:

NM_001374736.1(DST):c.2369T>G (p.Leu790Trp)

Gene: DST (dystonin; minus strand). Cytogenetic location: 6p12.1.
Variant type: single nucleotide variant.
Coding change: c.2369T>G on transcript NM_001374736.1 (MANE Select); coding-DNA position 2369, T replaced by G.
Protein change: p.Leu790Trp; replaces leucine 790 with tryptophan.
Molecular consequence: missense variant.
Genome position (GRCh38, 1-based): chr6:56,640,264, A>C on the plus strand (T>G on the coding strand, the complement: DST is on the minus strand). VCF-style: chr6-56640264-A-C. GRCh37 (hg19) VCF-style: chr6-56505062-A-C.
Other names: c.2270T>G, p.Leu757Trp (NM_001144769.5); c.1856T>G, p.Leu619Trp (NM_001144770.2); c.2369T>G, p.Leu790Trp (NM_001374722.1); c.1736T>G, p.Leu579Trp (NM_001374729.1, NM_001374730.1, NM_001386100.1 and 1 more transcripts); c.2396T>G, p.Leu799Trp (NM_001374734.1); c.758T>G, p.Leu253Trp (NM_001723.7, NM_015548.5); short protein forms L579W, L619W, L757W, L799W, L253W, L790W.
Identifiers: ClinVar variation 1432387 (VCV001432387.8), dbSNP rs757749439, ClinGen allele CA3871441.

ClinVar aggregate classification (germline): Uncertain significance. Review status: criteria provided, multiple submitters, no conflicts (2 of 4 stars). 2 submissions from 2 submitters: Uncertain significance (2). Last evaluated 2023-08-29.

Conditions:
Hereditary sensory and autonomic neuropathy type 6. Also called: HSAN VI; Neuropathy, hereditary sensory and autonomic, type VI. Identifiers: Orphanet 314381, MedGen C3539003, MONDO:0013839, OMIM 614653.
Epidermolysis bullosa simplex 3, localized or generalized intermediate, with BP230 deficiency (EBS3). Also called: Epidermolysis bullosa simplex, autosomal recessive 2; Epidermolysis bullosa simplex due to BP230 deficiency. Identifiers: Orphanet 412181, MedGen C3809470, MONDO:0014180, OMIM 615425.
Inborn genetic diseases. Identifiers: MedGen C0950123, MeSH D030342.

Allele frequency attached by ClinVar (database versions not stated): gnomAD exomes below 0.00001 and 0.00002; ExAC 0.00003; TOPMed 0.00003; gnomAD 0.00005 and 0.00006.
gnomAD v4.1: 13 of 1,614,078 alleles (0.00081%); highest among the groups gnomAD compares: African/African-American, 0.016%; no homozygotes.

Submissions (2):

Ambry Genetics
Classification: Uncertain significance for Inborn genetic diseases. Last evaluated: 2023-08-29. Review status: criteria provided, single submitter. Criteria: Ambry Variant Classification Scheme 2023. Collection method: clinical testing. Allele origin: germline.

Labcorp Genetics (formerly Invitae), Labcorp
Classification: Uncertain significance for Epidermolysis bullosa simplex 3, localized or generalized intermediate, with BP230 deficiency; Hereditary sensory and autonomic neuropathy type 6. Last evaluated: 2022-09-03. Review status: criteria provided, single submitter. Criteria: Invitae Variant Classification Sherloc (09022015). Collection method: clinical testing. Allele origin: germline.
Comment: This sequence change replaces leucine, which is neutral and non-polar, with tryptophan, which is neutral and slightly polar, at codon 253 of the DST protein (p.Leu253Trp). Algorithms developed to predict the effect of missense changes on protein structure and function are either unavailable or do not agree on the potential impact of this missense change (SIFT: "Deleterious"; PolyPhen-2: "Probably Damaging"; Align-GVGD: "Class C0"). ClinVar contains an entry for this variant (Variation ID: 1432387). This variant has not been reported in the literature in individuals affected with DST-related conditions. This variant is present in population databases (rs757749439, gnomAD 0.02%). In summary, the available evidence is currently insufficient to determine the role of this variant in disease. Therefore, it has been classified as a Variant of Uncertain Significance.